The following is an entry in ClinVar:

NM_001145809.2(MYH14):c.5268C>T (p.Ala1756=)

Gene: MYH14 (myosin heavy chain 14; plus strand). Cytogenetic location: 19q13.33.
Variant type: single nucleotide variant.
Coding change: c.5268C>T on transcript NM_001145809.2 (MANE Select); coding-DNA position 5268, C replaced by T.
Protein change: p.Ala1756=; no amino-acid change (alanine 1756 retained).
Molecular consequence: synonymous variant.
Genome position (GRCh38, 1-based): chr19:50,293,244, C>T. VCF-style: chr19-50293244-C-T. GRCh37 (hg19) VCF-style: chr19-50796501-C-T.
Other names: c.5169C>T, p.Ala1723= (NM_001077186.2); c.5145C>T, p.Ala1715= (NM_024729.4).
Identifiers: ClinVar variation 666719 (VCV000666719.4), dbSNP rs919018072, ClinGen allele CA309587762.
Genomic context (GRCh38, chr19:50,293,244, plus strand): 5'-CCCAGATTGCTTCTCCTCACACCCACCGGCCACCCCTCCATCATCACAGGAACTGGCCGC[C>T]TCGGACCGTGCTCGGCGGCAGGCCCAGCAGGACCGGGATGAGATGGCAGATGAGGTGGCC-3'
Protein context (NP_001139281.1, residues 1746-1766): EVLRLQEELA[Ala1756=]SDRARRQAQQ

ClinVar aggregate classification (germline): Likely benign (1 of 4 stars; one submission).

Allele frequency attached by ClinVar (database versions not stated): gnomAD exomes 0.00001.

Submission:

Laboratory for Molecular Medicine, Mass General Brigham Personalized Medicine
Classification: Likely benign. Last evaluated: 2018-08-22. Review status: criteria provided, single submitter. Criteria: LMM Criteria. Collection method: clinical testing. Allele origin: germline. Observed: 1 variant allele.
Comment: The p.Ala1756Ala variant in MYH14 is classified as likely benign because it does not alter an amino acid residue, it is not located within the splice consensus sequence, and splice prediction algorithms do not predict a newly created splice site. ACMG/AMP Criteria applied: BP4, BP7, PM2.